The following is an entry in ClinVar:

ClinVar aggregate classification (germline): Benign (1 of 4 stars; one submission).

Allele frequency attached by ClinVar (database versions not stated): gnomAD exomes 0.00003; TOPMed 0.00006; gnomAD 0.00007; ExAC 0.00014; 1000 Genomes Project 30x 0.00094; 1000 Genomes Project 0.00120.
gnomAD v4.1: 64 of 1,613,868 alleles (0.004%); highest among the groups gnomAD compares: East Asian, 0.11%; no homozygotes.

Submission:

CeGaT Center for Human Genetics Tuebingen
Classification: Benign. Last evaluated: 2022-03-01. Review status: criteria provided, single submitter. Criteria: CeGaT Center For Human Genetics Tuebingen Variant Classification Criteria Version 2. Collection method: clinical testing. Allele origin: germline. Affected: yes. Observed: 1 variant allele.
Comment: VPS4A: BS1, BS2

NM_013245.3(VPS4A):c.651G>A (p.Arg217=)

Gene: VPS4A (vacuolar protein sorting 4 homolog A; plus strand). Cytogenetic location: 16q22.1.
Variant type: single nucleotide variant.
Coding change: c.651G>A on transcript NM_013245.3 (MANE Select); coding-DNA position 651, G replaced by A.
Protein change: p.Arg217=; no amino-acid change (arginine 217 retained).
Molecular consequence: synonymous variant.
Genome position (GRCh38, 1-based): chr16:69,320,171, G>A. VCF-style: chr16-69320171-G-A. GRCh37 (hg19) VCF-style: chr16-69354074-G-A.
Identifiers: ClinVar variation 2646669 (VCV002646669.24), dbSNP rs370753907, ClinGen allele CA8133210.
Genomic context (GRCh38, chr16:69,320,171, plus strand): 5'-TTGTCCTCACCCCCTTTCTCACCTTCACAGGCTGGTCAAGAACCTGTTTGAGCTGGCCAG[G>A]CAGCACAAGCCCTCCATCATCTTCATCGATGAGGTGGATTCCCTCTGCGGGTCCCGAAAT-3'
Protein context (NP_037377.1, residues 207-227): KLVKNLFELA[Arg217=]QHKPSIIFID